The following is an entry in ClinVar:

NM_001164508.2(NEB):c.4412A>C (p.Lys1471Thr)

Gene: NEB (nebulin; minus strand). Cytogenetic location: 2q23.3.
Variant type: single nucleotide variant.
Coding change: c.4412A>C on transcript NM_001164508.2 (MANE Select); coding-DNA position 4412, A replaced by C.
Protein change: p.Lys1471Thr; replaces lysine 1471 with threonine.
Molecular consequence: missense variant.
Genome position (GRCh38, 1-based): chr2:151,671,117, T>G on the plus strand (A>C on the coding strand, the complement: NEB is on the minus strand). VCF-style: chr2-151671117-T-G. GRCh37 (hg19) VCF-style: chr2-152527631-T-G.
Other names: c.4412A>C, p.Lys1471Thr (NM_001164507.2, NM_001271208.2, NM_004543.5); short protein forms K1471T.
Identifiers: ClinVar variation 1962711 (VCV001962711.3), dbSNP rs777492745, ClinGen allele CA1910637.

ClinVar aggregate classification (germline): Uncertain significance. Review status: criteria provided, multiple submitters, no conflicts (2 of 4 stars). 2 submissions from 2 submitters: Uncertain significance (2). Last evaluated 2023-06-22.

Conditions:
Nemaline myopathy 2 (NEM2). Also called: Nemaline myopathy 2, autosomal recessive. Identifiers: MedGen C1850569, MONDO:0009725, OMIM 256030.

Allele frequency attached by ClinVar (database versions not stated): gnomAD exomes below 0.00001; ExAC 0.00001.
gnomAD v4.1: 1 of 1,613,966 alleles (0.000062%); highest among the groups gnomAD compares: South Asian, 0.0011%; no homozygotes.

Submissions (2):

Neuberg Centre For Genomic Medicine, NCGM
Classification: Uncertain significance for Nemaline myopathy 2. Last evaluated: 2023-06-22. Review status: criteria provided, single submitter. Criteria: ACMG Guidelines, 2015. Collection method: clinical testing. Allele origin: germline. Inheritance: Autosomal recessive inheritance. Affected: yes.
Comment: The observed missense c.4412A>Cp.Lys1471Thr variant in NEB gene has not been reported previously as a pathogenic variant nor as a benign variant, to our knowledge. This variant is absent in gnomAD Exomes. This variant has been reported to the ClinVar database as Uncertain Significance. However, no details are available for independent assessment. The amino acid Lys at position 1471 is changed to a Thr changing protein sequence and it might alter its composition and physico-chemical properties. The amino acid change p.Lys1471Thr in NEB is predicted as conserved by GERP++ and PhyloP across 100 vertebrates. Computational evidence Polyphen - Possible Damaging, SIFT - Tolerated, and MutationTaster - Disease causing and Polymorphism predicts conflicting evidence on protein structure and function for this variant. For these reasons, this variant has been classified as Uncertain Significance.

Labcorp Genetics (formerly Invitae), Labcorp
Classification: Uncertain significance for Nemaline myopathy 2. Last evaluated: 2022-07-06. Review status: criteria provided, single submitter. Criteria: Invitae Variant Classification Sherloc (09022015). Collection method: clinical testing. Allele origin: germline.
Comment: This sequence change replaces lysine, which is basic and polar, with threonine, which is neutral and polar, at codon 1471 of the NEB protein (p.Lys1471Thr). This variant is not present in population databases (gnomAD no frequency). This variant has not been reported in the literature in individuals affected with NEB-related conditions. Algorithms developed to predict the effect of missense changes on protein structure and function are either unavailable or do not agree on the potential impact of this missense change (SIFT: "Deleterious"; PolyPhen-2: "Not Available"; Align-GVGD: "Class C0"). In summary, the available evidence is currently insufficient to determine the role of this variant in disease. Therefore, it has been classified as a Variant of Uncertain Significance.